The following is an entry in ClinVar:

ClinVar aggregate classification (germline): Uncertain significance (1 of 4 stars; one submission).

Submission:

Labcorp Genetics (formerly Invitae), Labcorp
Classification: Uncertain significance. Last evaluated: 2025-10-04. Review status: criteria provided, single submitter. Criteria: Invitae Variant Classification Sherloc (09022015). Collection method: clinical testing. Allele origin: germline.
Comment: This sequence change replaces tyrosine, which is neutral and polar, with serine, which is neutral and polar, at codon 237 of the TSFM protein (p.Tyr237Ser). This variant is not present in population databases (gnomAD no frequency). This variant has not been reported in the literature in individuals affected with TSFM-related conditions. Invitae Evidence Modeling of protein sequence and biophysical properties (such as structural, functional, and spatial information, amino acid conservation, physicochemical variation, residue mobility, and thermodynamic stability) indicates that this missense variant is not expected to disrupt TSFM protein function with a negative predictive value of 80%. In summary, the available evidence is currently insufficient to determine the role of this variant in disease. Therefore, it has been classified as a Variant of Uncertain Significance.

NM_005726.6(TSFM):c.647A>C (p.Tyr216Ser)

Gene: TSFM (Ts translation elongation factor, mitochondrial; plus strand). Cytogenetic location: 12q14.1.
Variant type: single nucleotide variant.
Coding change: c.647A>C on transcript NM_005726.6 (MANE Select); coding-DNA position 647, A replaced by C.
Protein change: p.Tyr216Ser; replaces tyrosine 216 with serine.
Molecular consequence: missense variant. On other transcripts: 3 prime UTR variant (1), intron variant (1).
Genome position (GRCh38, 1-based): chr12:57,796,252, A>C. VCF-style: chr12-57796252-A-C. GRCh37 (hg19) VCF-style: chr12-58190035-A-C.
Other names: c.*55A>C (NM_001172695.2); c.710A>C, p.Tyr237Ser (NM_001172696.2); c.571+3179A>C (NM_001172697.2); short protein forms Y216S, Y237S.
Identifiers: ClinVar variation 4746406 (VCV004746406.1).